The following is an entry in ClinVar:

NM_173689.7(CRB2):c.1027C>T (p.Gln343Ter)

Gene: CRB2 (crumbs cell polarity complex component 2; plus strand). Cytogenetic location: 9q33.3.
Variant type: single nucleotide variant.
Coding change: c.1027C>T on transcript NM_173689.7 (MANE Select); coding-DNA position 1027, C replaced by T.
Protein change: p.Gln343Ter; replaces glutamine 343 with a stop codon.
Molecular consequence: nonsense.
Genome position (GRCh38, 1-based): chr9:123,367,659, C>T. VCF-style: chr9-123367659-C-T. GRCh37 (hg19) VCF-style: chr9-126129938-C-T.
Other names: short protein forms Q343*.
Identifiers: ClinVar variation 4881583 (VCV004881583.2).

ClinVar aggregate classification (germline): Likely pathogenic (1 of 4 stars; one submission).

gnomAD v4.1: 2 of 1,565,730 alleles (0.00013%); highest among the groups gnomAD compares: African/African-American, 0.0014%; no homozygotes.

Submission:

Dasa
Classification: Likely pathogenic. Last evaluated: 2026-03-09. Review status: criteria provided, single submitter. Criteria: DASA Assertion Criteria. Collection method: clinical testing. Allele origin: germline.
Comment: NM_173689.7(CRB2):c.1027C>T (p.Gln343*) is a nonsense variant in CRB2 predicted to introduce a premature termination codon and is predicted to result in an absent or altered protein product. Loss of function is an established disease mechanism for CRB2-associated disorders. Also, this variant is rare in population databases. Based on the currently available evidence, this variant is classified as likely pathogenic.